The following is an entry in ClinVar:

NM_000918.4(P4HB):c.337C>A (p.Pro113Thr)

Gene: P4HB (prolyl 4-hydroxylase subunit beta; minus strand). Cytogenetic location: 17q25.3.
Variant type: single nucleotide variant.
Coding change: c.337C>A on transcript NM_000918.4 (MANE Select); coding-DNA position 337, C replaced by A.
Protein change: p.Pro113Thr; replaces proline 113 with threonine.
Molecular consequence: missense variant.
Genome position (GRCh38, 1-based): chr17:81,859,196, G>T on the plus strand (C>A on the coding strand, the complement: P4HB is on the minus strand). VCF-style: chr17-81859196-G-T. GRCh37 (hg19) VCF-style: chr17-79817072-G-T.
Other names: short protein forms P113T.
Identifiers: ClinVar variation 3373075 (VCV003373075.1).
Genomic context (GRCh38, chr17:81,859,196, plus strand): 5'-CAGTCCCTCTCTAAAGACAGTTCAAGGGCAGTGCCACAGCCACACCTGTATATTCCTTGG[G>T]GGAAGCCGTGTCTCCATTCCTGAAGAACTTGATGGTGGGATAGCCGCGCACGCCGTACTG-3'
Protein context (NP_000909.2, residues 103-123): KFFRNGDTAS[Pro113Thr]KEYTAGREAD

ClinVar aggregate classification (germline): Uncertain significance (1 of 4 stars; one submission).

gnomAD v4.1: 8 of 1,613,724 alleles (0.0005%); highest among the groups gnomAD compares: Admixed American, 0.0017%; no homozygotes.

Submission:

GeneDx
Classification: Uncertain significance. Last evaluated: 2024-04-24. Review status: criteria provided, single submitter. Criteria: GeneDx Variant Classification Process June 2021. Collection method: clinical testing. Allele origin: germline. Affected: yes.
Comment: In silico analysis supports that this missense variant has a deleterious effect on protein structure/function; Has not been previously published as pathogenic or benign to our knowledge